The following is an entry in ClinVar:

NM_173546.3(KLHDC8B):c.325C>T (p.Arg109Cys)

Gene: KLHDC8B (kelch domain containing 8B; plus strand). Cytogenetic location: 3p21.31.
Variant type: single nucleotide variant.
Coding change: c.325C>T on transcript NM_173546.3 (MANE Select); coding-DNA position 325, C replaced by T.
Protein change: p.Arg109Cys; replaces arginine 109 with cysteine.
Molecular consequence: missense variant.
Genome position (GRCh38, 1-based): chr3:49,173,094, C>T. VCF-style: chr3-49173094-C-T. GRCh37 (hg19) VCF-style: chr3-49210527-C-T.
Other names: short protein forms R109C.
Identifiers: ClinVar variation 2975063 (VCV002975063.3), dbSNP rs756090460, ClinGen allele CA2395465.

ClinVar aggregate classification (germline): Uncertain significance (1 of 4 stars; one submission).

Allele frequency attached by ClinVar (database versions not stated): TOPMed 0.00003; gnomAD 0.00002.
gnomAD v4.1: 28 of 1,584,406 alleles (0.0018%); highest among the groups gnomAD compares: Middle Eastern, 0.018%; no homozygotes.

Submission:

Labcorp Genetics (formerly Invitae), Labcorp
Classification: Uncertain significance. Last evaluated: 2025-12-21. Review status: criteria provided, single submitter. Criteria: Invitae Variant Classification Sherloc (09022015). Collection method: clinical testing. Allele origin: germline.
Comment: This sequence change replaces arginine, which is basic and polar, with cysteine, which is neutral and slightly polar, at codon 109 of the KLHDC8B protein (p.Arg109Cys). The frequency data for this variant in the population databases is considered unreliable, as metrics indicate poor data quality at this position in the gnomAD database. This variant has not been reported in the literature in individuals affected with KLHDC8B-related conditions. ClinVar contains an entry for this variant (Variation ID: 2975063). An algorithm developed to predict the effect of missense changes on protein structure and function (PolyPhen-2) suggests that this variant is likely to be tolerated. In summary, the available evidence is currently insufficient to determine the role of this variant in disease. Therefore, it has been classified as a Variant of Uncertain Significance.